The following is an entry in ClinVar:

ClinVar aggregate classification (germline): Uncertain significance (0 of 4 stars; one submission).

Conditions:
Prostate cancer. Also called: Malignant tumor of prostate. Identifiers: Orphanet 1331, MedGen C0376358, MONDO:0008315, HP:0012125.

Allele frequency attached by ClinVar (database versions not stated): gnomAD 0.00001; TOPMed 0.00001; gnomAD exomes 0.00002; ExAC 0.00004.
gnomAD v4.1: 28 of 1,607,688 alleles (0.0017%); highest among the groups gnomAD compares: Middle Eastern, 0.05%; no homozygotes.

Submission:

Science for Life laboratory,  Karolinska Institutet
Classification: Uncertain significance for Malignant tumor of prostate. Review status: no assertion criteria provided. Collection method: not provided. Allele origin: somatic.
Comment: TumorID:SWE-90A
ClinVar note: Converted during submission from Unknown to Uncertain significance.

NM_153021.5(PLB1):c.3195+7C>A

Gene: PLB1 (phospholipase B1; plus strand). Cytogenetic location: 2p23.2.
Variant type: single nucleotide variant.
Coding change: c.3195+7C>A on transcript NM_153021.5 (MANE Select); 7 bases into the intron after coding-DNA position 3195, C replaced by A.
Molecular consequence: intron variant.
Genome position (GRCh38, 1-based): chr2:28,614,103, C>A. VCF-style: chr2-28614103-C-A. GRCh37 (hg19) VCF-style: chr2-28836970-C-A.
Other names: c.3162+7C>A (NM_001170585.2).
Identifiers: ClinVar variation 161820 (VCV000161820.2), dbSNP rs193921064, ClinGen allele CA174847.